The following is an entry in ClinVar:

NM_004706.4(ARHGEF1):c.935G>A (p.Arg312Gln)

Gene: ARHGEF1 (Rho guanine nucleotide exchange factor 1; plus strand). Cytogenetic location: 19q13.2.
Variant type: single nucleotide variant.
Coding change: c.935G>A on transcript NM_004706.4 (MANE Select); coding-DNA position 935, G replaced by A.
Protein change: p.Arg312Gln; replaces arginine 312 with glutamine.
Molecular consequence: missense variant.
Genome position (GRCh38, 1-based): chr19:41,895,406, G>A. VCF-style: chr19-41895406-G-A. GRCh37 (hg19) VCF-style: chr19-42399479-G-A.
Other names: c.836G>A, p.Arg279Gln (NM_198977.2); c.980G>A, p.Arg327Gln (NM_199002.2); short protein forms R327Q, R279Q, R312Q.
Identifiers: ClinVar variation 1485826 (VCV001485826.7), dbSNP rs373754668, ClinGen allele CA9466121.
Genomic context (GRCh38, chr19:41,895,406, plus strand): 5'-CAGCCGAGAAGCCAGGTGCTACAGACCGGAAGGGAGGCGTGGGGATGCCCTCTCGGGACC[G>A]GAATATCGGGGCTCCTGGGCAGGACACCCCTGGAGTCTCTCTGCACCCTCTGTCCCTGGA-3'
Protein context (NP_004697.2, residues 302-322): KGGVGMPSRD[Arg312Gln]NIGAPGQDTP

ClinVar aggregate classification (germline): Uncertain significance. Review status: criteria provided, multiple submitters, no conflicts (2 of 4 stars). 2 submissions from 2 submitters: Uncertain significance (2). Last evaluated 2023-12-18.

Allele frequency attached by ClinVar (database versions not stated): ExAC 0.00001; gnomAD 0.00001; gnomAD exomes 0.00001; ESP Exome Variant Server 0.00008.
gnomAD v4.1: 9 of 1,612,496 alleles (0.00056%); highest among the groups gnomAD compares: South Asian, 0.0011%; no homozygotes.

Submissions (2):

Labcorp Genetics (formerly Invitae), Labcorp
Classification: Uncertain significance. Last evaluated: 2023-12-18. Review status: criteria provided, single submitter. Criteria: Invitae Variant Classification Sherloc (09022015). Collection method: clinical testing. Allele origin: germline.
Comment: This sequence change replaces arginine, which is basic and polar, with glutamine, which is neutral and polar, at codon 327 of the ARHGEF1 protein (p.Arg327Gln). The frequency data for this variant in the population databases is considered unreliable, as metrics indicate poor data quality at this position in the gnomAD database. This variant has not been reported in the literature in individuals affected with ARHGEF1-related conditions. ClinVar contains an entry for this variant (Variation ID: 1485826). An algorithm developed to predict the effect of missense changes on protein structure and function (PolyPhen-2) suggests that this variant is likely to be disruptive. In summary, the available evidence is currently insufficient to determine the role of this variant in disease. Therefore, it has been classified as a Variant of Uncertain Significance.

Blueprint Genetics
Classification: Uncertain significance. Last evaluated: 2023-09-19. Review status: criteria provided, single submitter. Criteria: ACMG Guidelines, 2015. Collection method: clinical testing. Allele origin: germline.